The following is an entry in ClinVar:

ClinVar aggregate classification (germline): Benign/Likely benign. Review status: criteria provided, multiple submitters, no conflicts (2 of 4 stars). 3 submissions from 3 submitters: Benign (1); Likely benign (2). Last evaluated 2025-03-29.

Conditions:
Familial cancer of breast. Also called: hereditary breast carcinoma; Hereditary breast cancer; BREAST CANCER, FAMILIAL. Identifiers: Orphanet 227535, MedGen C0346153, MONDO:0016419, OMIM 114480. Disease mechanism: loss of function.
Hereditary cancer-predisposing syndrome. Also called: Neoplastic Syndromes, Hereditary; Tumor predisposition; Hereditary Cancer Syndrome; Hereditary neoplastic syndrome. Identifiers: Orphanet 140162, MedGen C0027672, MeSH D009386, MONDO:0015356.

Submissions (3):

Ambry Genetics
Classification: Likely benign for Hereditary cancer-predisposing syndrome. Last evaluated: 2025-03-29. Review status: criteria provided, single submitter. Criteria: Ambry Variant Classification Scheme 2023. Collection method: clinical testing. Allele origin: germline.

Myriad Genetics, Inc.
Classification: Benign for Familial cancer of breast. Last evaluated: 2025-01-21. Review status: criteria provided, single submitter. Criteria: Myriad Autosomal Dominant, Autosomal Recessive and X-Linked Classification Criteria (2023). Collection method: clinical testing. Allele origin: unknown.
Comment: This variant is considered benign. This variant is a silent/synonymous amino acid change and it is not expected to impact splicing.

Labcorp Genetics (formerly Invitae), Labcorp
Classification: Likely benign for Familial cancer of breast. Last evaluated: 2023-07-28. Review status: criteria provided, single submitter. Criteria: Invitae Variant Classification Sherloc (09022015). Collection method: clinical testing. Allele origin: germline.

NM_024675.4(PALB2):c.3207T>C (p.Leu1069=)

Gene: PALB2 (partner and localizer of BRCA2; minus strand). Cytogenetic location: 16p12.2.
Variant type: single nucleotide variant.
Coding change: c.3207T>C on transcript NM_024675.4 (MANE Select); coding-DNA position 3207, T replaced by C.
Protein change: p.Leu1069=; no amino-acid change (leucine 1069 retained).
Molecular consequence: synonymous variant. On other transcripts: intron variant (8).
Genome position (GRCh38, 1-based): chr16:23,608,007, A>G on the plus strand (T>C on the coding strand, the complement: PALB2 is on the minus strand). VCF-style: chr16-23608007-A-G. GRCh37 (hg19) VCF-style: chr16-23619328-A-G.
Other names: c.3147T>C, p.Leu1049= (NM_001407296.1); c.3135T>C, p.Leu1045= (NM_001407297.1); c.3045T>C, p.Leu1015= (NM_001407298.1); c.2928T>C, p.Leu976= (NM_001407300.1); c.2322T>C, p.Leu774= (NM_001407304.1, NM_001407305.1, NM_001407306.1); c.2160T>C, p.Leu720= (NM_001407307.1); c.1419T>C, p.Leu473= (NM_001407312.1); c.741T>C, p.Leu247= (NM_001407314.1); and 6 more.
Identifiers: ClinVar variation 2916878 (VCV002916878.5), dbSNP rs2506219382, ClinGen allele CA494175924.